The following is an entry in ClinVar:

NM_001199397.3(NEK1):c.3624T>C (p.Asp1208=)

Gene: NEK1 (NIMA related kinase 1; minus strand). Cytogenetic location: 4q33.
Variant type: single nucleotide variant.
Coding change: c.3624T>C on transcript NM_001199397.3 (MANE Select); coding-DNA position 3624, T replaced by C.
Protein change: p.Asp1208=; no amino-acid change (aspartic acid 1208 retained).
Molecular consequence: synonymous variant. On other transcripts: non-coding transcript variant (1).
Genome position (GRCh38, 1-based): chr4:169,400,611, A>G on the plus strand (T>C on the coding strand, the complement: NEK1 is on the minus strand). VCF-style: chr4-169400611-A-G. GRCh37 (hg19) VCF-style: chr4-170321762-A-G.
Other names: c.3492T>C, p.Asp1164= (NM_001199398.3); c.3333T>C, p.Asp1111= (NM_001199399.3); c.3408T>C, p.Asp1136= (NM_001199400.3); c.3624T>C, p.Asp1208= (NM_001374418.1); c.3540T>C, p.Asp1180= (NM_001374419.1, NM_012224.4); c.3489T>C, p.Asp1163= (NM_001374420.1); c.3141T>C, p.Asp1047= (NM_001374421.1).
Identifiers: ClinVar variation 348089 (VCV000348089.31), dbSNP rs55740606, ClinGen allele CA3137115.

ClinVar aggregate classification (germline): Benign/Likely benign. Review status: criteria provided, multiple submitters, no conflicts (2 of 4 stars). 7 submissions from 7 submitters: Benign (6); Likely benign (1). Last evaluated 2026-01-26.

Conditions:
Connective tissue disorder. Also called: Connective tissue disease. Identifiers: MedGen C0009782, MONDO:0003900.
Short-rib thoracic dysplasia 6 with or without polydactyly (SRTD6). Also called: POLYDACTYLY WITH NEONATAL CHONDRODYSTROPHY, TYPE II; SHORT RIB-POLYDACTYLY SYNDROME, TYPE IIA; SHORT-RIB THORACIC DYSPLASIA 6 WITH POLYDACTYLY; SHORT-RIB THORACIC DYSPLASIA 6 WITHOUT POLYDACTYLY; Majewski Syndrome. Identifiers: MedGen C0024507, MONDO:0009894, OMIM 263520.

Allele frequency attached by ClinVar (database versions not stated): gnomAD exomes 0.00050 and 0.00122; ExAC 0.00248; gnomAD 0.00517 and 0.00560; 1000 Genomes Project 0.00559; ESP Exome Variant Server 0.00601; TOPMed 0.00607; 1000 Genomes Project 30x 0.00625.
gnomAD v4.1: 1,556 of 1,603,594 alleles (0.097%); highest among the groups gnomAD compares: African/African-American, 1.8%; 10 homozygotes.

Submissions (7):

Labcorp Genetics (formerly Invitae), Labcorp
Classification: Benign for Short-rib thoracic dysplasia 6 with or without polydactyly. Last evaluated: 2026-01-26. Review status: criteria provided, single submitter. Criteria: Invitae Variant Classification Sherloc (09022015). Collection method: clinical testing. Allele origin: germline.

Blueprint Genetics
Classification: Benign. Last evaluated: 2024-11-25. Review status: criteria provided, single submitter. Criteria: ACMG Guidelines, 2015. Collection method: clinical testing. Allele origin: germline.

Genome Diagnostics Laboratory, The Hospital for Sick Children
Classification: Benign for Connective tissue disorder. Last evaluated: 2022-02-10. Review status: criteria provided, single submitter. Criteria: ACMG Guidelines, 2015. Collection method: clinical testing. Allele origin: germline.

GeneDx
Classification: Likely benign. Last evaluated: 2021-10-22. Review status: criteria provided, single submitter. Criteria: GeneDx Variant Classification Process June 2021. Collection method: clinical testing. Allele origin: germline. Affected: yes.

ARUP Laboratories, Molecular Genetics and Genomics, ARUP Laboratories
Classification: Benign. Last evaluated: 2020-05-15. Review status: criteria provided, single submitter. Criteria: ARUP Molecular Germline Variant Investigation Process. Collection method: clinical testing. Allele origin: germline.

Illumina Laboratory Services, Illumina
Classification: Benign for Short-rib thoracic dysplasia 6 with or without polydactyly. Last evaluated: 2018-01-12. Review status: criteria provided, single submitter. Criteria: ICSL Variant Classification Criteria 13 December 2019. Collection method: clinical testing. Allele origin: germline.
Comment: This variant was observed in the ICSL laboratory as part of a predisposition screen in an ostensibly healthy population. It had not been previously curated by ICSL or reported in the Human Gene Mutation Database (HGMD: prior to June 1st, 2018), and was therefore a candidate for classification through an automated scoring system. Utilizing variant allele frequency, disease prevalence and penetrance estimates, and inheritance mode, an automated score was calculated to assess if this variant is too frequent to cause the disease. Based on the score and internal cut-off values, a variant classified as benign is not then subjected to further curation. The score for this variant resulted in a classification of benign for this disease.

Genetic Services Laboratory, University of Chicago
Classification: Benign. Last evaluated: 2017-12-27. Review status: criteria provided, single submitter. Criteria: ACMG Guidelines, 2015. Collection method: clinical testing. Allele origin: germline. Affected: no.